The following is an entry in ClinVar:

ClinVar aggregate classification (germline): Likely benign. Review status: criteria provided, multiple submitters, no conflicts (2 of 4 stars). 3 submissions from 3 submitters: Likely benign (2). 1 of the submissions does not count toward it. Last evaluated 2026-06-01.

Conditions:
MAN2B2-related disorder. Also called: MAN2B2-Related Disorders; MAN2B2-related condition.

Allele frequency attached by ClinVar (database versions not stated): 1000 Genomes Project 0.00200; 1000 Genomes Project 30x 0.00203; TOPMed 0.00223; gnomAD 0.00230; ExAC 0.00233; ESP Exome Variant Server 0.00246; gnomAD exomes 0.00342.
gnomAD v4.1: 5,305 of 1,613,980 alleles (0.33%); highest among the groups gnomAD compares: Non-Finnish European, 0.4%; 11 homozygotes.

Submissions (3):

CeGaT Center for Human Genetics Tuebingen
Classification: Likely benign. Last evaluated: 2026-06-01. Review status: criteria provided, single submitter. Criteria: CeGaT Center For Human Genetics Tuebingen Variant Classification Criteria Version 2. Collection method: clinical testing. Allele origin: germline. Affected: yes. Observed: 3 variant alleles.
Comment: MAN2B2: BP4, BP7

Women's Health and Genetics/Laboratory Corporation of America, LabCorp
Classification: Likely benign. Last evaluated: 2026-04-20. Review status: criteria provided, single submitter. Criteria: LabCorp Variant Classification Summary - May 2015. Collection method: clinical testing. Allele origin: germline.

PreventionGenetics, part of Exact Sciences
Classification: Likely benign for MAN2B2-related condition. Last evaluated: 2023-06-06. Review status: no assertion criteria provided. Collection method: clinical testing. Allele origin: germline. Not counted in ClinVar's aggregate classification.
Comment: This variant is classified as likely benign based on ACMG/AMP sequence variant interpretation guidelines (Richards et al. 2015 PMID: 25741868, with internal and published modifications).

NM_015274.3(MAN2B2):c.1458G>A (p.Thr486=)

Gene: MAN2B2 (mannosidase alpha class 2B member 2; plus strand). Cytogenetic location: 4p16.1.
Variant type: single nucleotide variant.
Coding change: c.1458G>A on transcript NM_015274.3 (MANE Select); coding-DNA position 1458, G replaced by A.
Protein change: p.Thr486=; no amino-acid change (threonine 486 retained).
Molecular consequence: synonymous variant.
Genome position (GRCh38, 1-based): chr4:6,600,675, G>A. VCF-style: chr4-6600675-G-A. GRCh37 (hg19) VCF-style: chr4-6602402-G-A.
Other names: c.1305G>A, p.Thr435= (NM_001292038.2); c.1458G>A (NM_015274.2).
Identifiers: ClinVar variation 2654624 (VCV002654624.26), dbSNP rs148386673, ClinGen allele CA2840945.